The following is an entry in ClinVar:

NM_001039591.3(USP9X):c.6946A>G (p.Thr2316Ala)

Gene: USP9X (ubiquitin specific peptidase 9 X-linked; plus strand). Cytogenetic location: Xp11.4.
Variant type: single nucleotide variant.
Coding change: c.6946A>G on transcript NM_001039591.3 (MANE Select); coding-DNA position 6946, A replaced by G.
Protein change: p.Thr2316Ala; replaces threonine 2316 with alanine.
Molecular consequence: missense variant.
Genome position (GRCh38, 1-based): chrX:41,224,936, A>G. VCF-style: chrX-41224936-A-G. GRCh37 (hg19) VCF-style: chrX-41084189-A-G.
Other names: c.6946A>G, p.Thr2316Ala (NM_001039590.3); short protein forms T2316A.
Identifiers: ClinVar variation 1311495 (VCV001311495.3), dbSNP rs2147266302, ClinGen allele CA412750418.

ClinVar aggregate classification (germline): Uncertain significance (1 of 4 stars; one submission).

Allele frequency attached by ClinVar (database versions not stated): gnomAD exomes below 0.00001.
gnomAD v4.1: 2 of 1,212,240 alleles (0.00016%); highest among the groups gnomAD compares: Non-Finnish European, 0.00022%; no homozygotes.

Submission:

GeneDx
Classification: Uncertain significance. Last evaluated: 2022-11-07. Review status: criteria provided, single submitter. Criteria: GeneDx Variant Classification Process June 2021. Collection method: clinical testing. Allele origin: germline. Affected: yes.
Comment: Not observed at significant frequency in large population cohorts (gnomAD); In silico analysis supports that this missense variant does not alter protein structure/function; Has not been previously published as pathogenic or benign to our knowledge